The following is an entry in ClinVar:

NM_182972.3(IRF2BP2):c.791C>T (p.Pro264Leu)

Gene: IRF2BP2 (interferon regulatory factor 2 binding protein 2; minus strand). Cytogenetic location: 1q42.3.
Variant type: single nucleotide variant.
Coding change: c.791C>T on transcript NM_182972.3 (MANE Select); coding-DNA position 791, C replaced by T.
Protein change: p.Pro264Leu; replaces proline 264 with leucine.
Molecular consequence: missense variant.
Genome position (GRCh38, 1-based): chr1:234,608,704, G>A on the plus strand (C>T on the coding strand, the complement: IRF2BP2 is on the minus strand). VCF-style: chr1-234608704-G-A. GRCh37 (hg19) VCF-style: chr1-234744450-G-A.
Other names: c.791C>T, p.Pro264Leu (NM_001077397.1); short protein forms P264L.
Identifiers: ClinVar variation 1498433 (VCV001498433.6), dbSNP rs1318932625, ClinGen allele CA345308436.

ClinVar aggregate classification (germline): Uncertain significance (1 of 4 stars; one submission).

Allele frequency attached by ClinVar (database versions not stated): gnomAD exomes 0.00001; gnomAD 0.00002; TOPMed 0.00002.

Submission:

Labcorp Genetics (formerly Invitae), Labcorp
Classification: Uncertain significance. Last evaluated: 2024-11-25. Review status: criteria provided, single submitter. Criteria: Invitae Variant Classification Sherloc (09022015). Collection method: clinical testing. Allele origin: germline.
Comment: This sequence change replaces proline, which is neutral and non-polar, with leucine, which is neutral and non-polar, at codon 264 of the IRF2BP2 protein (p.Pro264Leu). This variant is present in population databases (no rsID available, gnomAD 0.005%). This variant has not been reported in the literature in individuals affected with IRF2BP2-related conditions. ClinVar contains an entry for this variant (Variation ID: 1498433). An algorithm developed to predict the effect of missense changes on protein structure and function (PolyPhen-2) suggests that this variant is likely to be tolerated. In summary, the available evidence is currently insufficient to determine the role of this variant in disease. Therefore, it has been classified as a Variant of Uncertain Significance.